The following is an entry in ClinVar:

ClinVar aggregate classification (germline): Likely benign (1 of 4 stars; one submission).

gnomAD v4.1: 20 of 1,611,320 alleles (0.0012%); highest among the groups gnomAD compares: Non-Finnish European, 0.0017%; no homozygotes.

Submission:

CeGaT Center for Human Genetics Tuebingen
Classification: Likely benign. Last evaluated: 2022-06-01. Review status: criteria provided, single submitter. Criteria: CeGaT Center For Human Genetics Tuebingen Variant Classification Criteria Version 2. Collection method: clinical testing. Allele origin: germline. Affected: yes. Observed: 1 variant allele.
Comment: HERC2: BP4, BP7

NM_004667.6(HERC2):c.6373C>A (p.Arg2125=)

Gene: HERC2 (HECT and RLD domain containing E3 ubiquitin protein ligase 2; minus strand). Cytogenetic location: 15q13.1.
Variant type: single nucleotide variant.
Coding change: c.6373C>A on transcript NM_004667.6 (MANE Select); coding-DNA position 6373, C replaced by A.
Protein change: p.Arg2125=; no amino-acid change (arginine 2125 retained).
Molecular consequence: synonymous variant.
Genome position (GRCh38, 1-based): chr15:28,214,258, G>T on the plus strand (C>A on the coding strand, the complement: HERC2 is on the minus strand). VCF-style: chr15-28214258-G-T. GRCh37 (hg19) VCF-style: chr15-28459404-G-T.
Identifiers: ClinVar variation 2645067 (VCV002645067.24), dbSNP rs373696705, ClinGen allele CA7442063.